The following is an entry in ClinVar:

NM_025137.4(SPG11):c.6907C>G (p.His2303Asp)

Gene: SPG11 (SPG11 vesicle trafficking associated, spatacsin; minus strand). Cytogenetic location: 15q21.1.
Variant type: single nucleotide variant.
Coding change: c.6907C>G on transcript NM_025137.4 (MANE Select); coding-DNA position 6907, C replaced by G.
Protein change: p.His2303Asp; replaces histidine 2303 with aspartic acid.
Molecular consequence: missense variant.
Genome position (GRCh38, 1-based): chr15:44,565,946, G>C on the plus strand (C>G on the coding strand, the complement: SPG11 is on the minus strand). VCF-style: chr15-44565946-G-C. GRCh37 (hg19) VCF-style: chr15-44858144-G-C.
Other names: c.6568C>G, p.His2190Asp (NM_001160227.2); short protein forms H2190D, H2303D.
Identifiers: ClinVar variation 933397 (VCV000933397.8), dbSNP rs777915558, ClinGen allele CA7533955.

ClinVar aggregate classification (germline): Uncertain significance (1 of 4 stars; one submission).

Conditions:
Hereditary spastic paraplegia 11. Also called: Spastic paraplegia, mental retardation and thin corpus callosum; Nakamura Osame syndrome; Autosomal recessive hereditary spastic paraplegia, mental impairment, and thin corpus callosum; SPASTIC PARAPLEGIA, AUTOSOMAL RECESSIVE, COMPLICATED, WITH THIN CORPUS CALLOSUM; SPASTIC PARAPLEGIA, AUTOSOMAL RECESSIVE, WITH MENTAL IMPAIRMENT AND THIN CORPUS CALLOSUM; Spastic Paraplegia 11. Identifiers: Orphanet 2822, MedGen C1858479, MONDO:0011445, OMIM 604360.

Allele frequency attached by ClinVar (database versions not stated): gnomAD exomes below 0.00001 and 0.00001; ExAC 0.00001; gnomAD 0.00001; TOPMed 0.00001.
gnomAD v4.1: 15 of 1,613,924 alleles (0.00093%); highest among the groups gnomAD compares: African/African-American, 0.0013%; no homozygotes.

Submission:

Labcorp Genetics (formerly Invitae), Labcorp
Classification: Uncertain significance for Hereditary spastic paraplegia 11. Last evaluated: 2026-01-14. Review status: criteria provided, single submitter. Criteria: Invitae Variant Classification Sherloc (09022015). Collection method: clinical testing. Allele origin: germline.
Comment: This sequence change replaces histidine, which is basic and polar, with aspartic acid, which is acidic and polar, at codon 2303 of the SPG11 protein (p.His2303Asp). This variant is present in population databases (rs777915558, gnomAD 0.0009%). This variant has not been reported in the literature in individuals affected with SPG11-related conditions. ClinVar contains an entry for this variant (Variation ID: 933397). Invitae Evidence Modeling of protein sequence and biophysical properties (such as structural, functional, and spatial information, amino acid conservation, physicochemical variation, residue mobility, and thermodynamic stability) indicates that this missense variant is expected to disrupt SPG11 protein function with a positive predictive value of 80%. In summary, the available evidence is currently insufficient to determine the role of this variant in disease. Therefore, it has been classified as a Variant of Uncertain Significance.